The following is an entry in ClinVar:

NM_006563.5(KLF1):c.1019G>A (p.Arg340His)

Genes: KLF1 (KLF transcription factor 1; minus strand), LOC117125591 (CRISPRi-FlowFISH-validated PRDX2 and RAD23A regulatory element; plus strand). Cytogenetic location: 19p13.13.
Variant type: single nucleotide variant.
Coding change: c.1019G>A on transcript NM_006563.5 (MANE Select); coding-DNA position 1019, G replaced by A.
Protein change: p.Arg340His; replaces arginine 340 with histidine.
Molecular consequence: missense variant.
Genome position (GRCh38, 1-based): chr19:12,884,955, C>T on the plus strand (G>A on the coding strand, the complement: KLF1 is on the minus strand). VCF-style: chr19-12884955-C-T. GRCh37 (hg19) VCF-style: chr19-12995769-C-T.
Other names: short protein forms R340H.
Identifiers: ClinVar variation 2397572 (VCV002397572.5), dbSNP rs760145920, ClinGen allele CA9233943.

ClinVar aggregate classification (germline): Uncertain significance. Review status: criteria provided, multiple submitters, no conflicts (2 of 4 stars). 3 submissions from 3 submitters: Uncertain significance (3). Last evaluated 2025-04-08.

Conditions:
Inborn genetic diseases. Identifiers: MedGen C0950123, MeSH D030342.
KLF1-related disorder. Also called: KLF1-related condition; KLF1-Related Disorders.

Allele frequency attached by ClinVar (database versions not stated): gnomAD exomes 0.00002; ExAC 0.00002; gnomAD 0.00001; TOPMed 0.00002.
gnomAD v4.1: 32 of 1,613,742 alleles (0.002%); highest among the groups gnomAD compares: Admixed American, 0.01%; no homozygotes.

Submissions (3):

Labcorp Genetics (formerly Invitae), Labcorp
Classification: Uncertain significance. Last evaluated: 2025-04-08. Review status: criteria provided, single submitter. Criteria: Invitae Variant Classification Sherloc (09022015). Collection method: clinical testing. Allele origin: germline.
Comment: This sequence change replaces arginine, which is basic and polar, with histidine, which is basic and polar, at codon 340 of the KLF1 protein (p.Arg340His). This variant is present in population databases (rs760145920, gnomAD 0.009%). This variant has not been reported in the literature in individuals affected with KLF1-related conditions. ClinVar contains an entry for this variant (Variation ID: 2397572). Invitae Evidence Modeling of protein sequence and biophysical properties (such as structural, functional, and spatial information, amino acid conservation, physicochemical variation, residue mobility, and thermodynamic stability) has been performed for this missense variant. However, the output from this modeling did not meet the statistical confidence thresholds required to predict the impact of this variant on KLF1 protein function. In summary, the available evidence is currently insufficient to determine the role of this variant in disease. Therefore, it has been classified as a Variant of Uncertain Significance.

PreventionGenetics, part of Exact Sciences
Classification: Uncertain significance for KLF1-related condition. Last evaluated: 2023-10-10. Review status: criteria provided, single submitter. Criteria: ACMG Guidelines, 2015. Collection method: clinical testing. Allele origin: germline.
Comment: The KLF1 c.1019G>A variant is predicted to result in the amino acid substitution p.Arg340His. To our knowledge, this variant has not been reported in the literature. This variant is reported in 0.0087% of alleles in individuals of Latino descent in gnomAD. At this time, the clinical significance of this variant is uncertain due to the absence of conclusive functional and genetic evidence.

Ambry Genetics
Classification: Uncertain significance for Inborn genetic diseases. Last evaluated: 2021-09-15. Review status: criteria provided, single submitter. Criteria: Ambry Variant Classification Scheme 2023. Collection method: clinical testing. Allele origin: germline.